The following is an entry in ClinVar:

ClinVar aggregate classification (germline): Conflicting classifications of pathogenicity. Review status: criteria provided, conflicting classifications (1 of 4 stars). 4 submissions from 4 submitters: Uncertain significance (2); Likely benign (2). Last evaluated 2025-08-14.

Conditions:
Inborn genetic diseases. Identifiers: MedGen C0950123, MeSH D030342.

Allele frequency attached by ClinVar (database versions not stated): gnomAD 0.00001; gnomAD exomes 0.00001; TOPMed 0.00001.
gnomAD v4.1: 19 of 1,613,798 alleles (0.0012%); highest among the groups gnomAD compares: Non-Finnish European, 0.0014%; no homozygotes.

Submissions (4):

Labcorp Genetics (formerly Invitae), Labcorp
Classification: Uncertain significance. Last evaluated: 2025-08-14. Review status: criteria provided, single submitter. Criteria: Invitae Variant Classification Sherloc (09022015). Collection method: clinical testing. Allele origin: germline.
Comment: This sequence change replaces isoleucine, which is neutral and non-polar, with valine, which is neutral and non-polar, at codon 732 of the SAMD9L protein (p.Ile732Val). This variant is present in population databases (no rsID available, gnomAD 0.0009%). This variant has not been reported in the literature in individuals affected with SAMD9L-related conditions. ClinVar contains an entry for this variant (Variation ID: 1902120). An algorithm developed to predict the effect of missense changes on protein structure and function outputs the following: PolyPhen-2: "Benign". The valine amino acid residue is found in multiple mammalian species, which suggests that this missense change does not adversely affect protein function. In summary, the available evidence is currently insufficient to determine the role of this variant in disease. Therefore, it has been classified as a Variant of Uncertain Significance.

Ambry Genetics
Classification: Likely benign for Inborn genetic diseases. Last evaluated: 2024-12-14. Review status: criteria provided, single submitter. Criteria: Ambry Variant Classification Scheme 2023. Collection method: clinical testing. Allele origin: germline.

GeneDx
Classification: Uncertain significance. Last evaluated: 2023-11-28. Review status: criteria provided, single submitter. Criteria: GeneDx Variant Classification Process June 2021. Collection method: clinical testing. Allele origin: germline. Affected: yes.
Comment: Not observed at significant frequency in large population cohorts (gnomAD); In silico analysis supports that this missense variant does not alter protein structure/function; Has not been previously published as pathogenic or benign to our knowledge; This variant is associated with the following publications: (PMID: 28545555)

Blueprint Genetics
Classification: Likely benign. Last evaluated: 2022-12-05. Review status: criteria provided, single submitter. Criteria: ACMG Guidelines, 2015. Collection method: clinical testing. Allele origin: germline.

NM_152703.5(SAMD9L):c.2194A>G (p.Ile732Val)

Gene: SAMD9L (sterile alpha motif domain containing 9 like; minus strand). Cytogenetic location: 7q21.2.
Variant type: single nucleotide variant.
Coding change: c.2194A>G on transcript NM_152703.5 (MANE Select); coding-DNA position 2194, A replaced by G.
Protein change: p.Ile732Val; replaces isoleucine 732 with valine.
Molecular consequence: missense variant.
Genome position (GRCh38, 1-based): chr7:93,133,778, T>C on the plus strand (A>G on the coding strand, the complement: SAMD9L is on the minus strand). VCF-style: chr7-93133778-T-C. GRCh37 (hg19) VCF-style: chr7-92763091-T-C.
Other names: c.2194A>G, p.Ile732Val (NM_001303496.3, NM_001303497.3, NM_001303498.3 and 5 more transcripts); c.2194A>G (NM_152703.3, NM_152703.2); short protein forms I732V.
Identifiers: ClinVar variation 1902120 (VCV001902120.8), dbSNP rs930034802, ClinGen allele CA161961894.